The following is an entry in ClinVar:

NM_000217.3(KCNA1):c.997C>T (p.Leu333Phe)

Gene: KCNA1 (potassium voltage-gated channel subfamily A member 1; plus strand). Cytogenetic location: 12p13.32.
Variant type: single nucleotide variant.
Coding change: c.997C>T on transcript NM_000217.3 (MANE Select); coding-DNA position 997, C replaced by T.
Protein change: p.Leu333Phe; replaces leucine 333 with phenylalanine.
Molecular consequence: missense variant.
Genome position (GRCh38, 1-based): chr12:4,912,375, C>T. VCF-style: chr12-4912375-C-T. GRCh37 (hg19) VCF-style: chr12-5021541-C-T.
Other names: short protein forms L333F.
Identifiers: ClinVar variation 3776062 (VCV003776062.1).

ClinVar aggregate classification (germline): Uncertain significance (1 of 4 stars; one submission).

Conditions:
Episodic ataxia type 1 (EA1). Also called: MYOKYMIA WITH PERIODIC ATAXIA; PAROXYSMAL ATAXIA WITH NEUROMYOTONIA, HEREDITARY; Episodic ataxia/myokymia syndrome; ATAXIA, EPISODIC, WITH MYOKYMIA. Identifiers: Orphanet 37612, Orphanet 972, MedGen C1719788, MONDO:0008047, OMIM 160120.

Submission:

3billion
Classification: Uncertain significance for Episodic ataxia type 1. Last evaluated: 2023-12-12. Review status: criteria provided, single submitter. Criteria: ACMG Guidelines, 2015. Collection method: clinical testing. Allele origin: germline. Affected: yes.
Comment: The variant is not observed in the gnomAD v2.1.1 dataset. Predicted Consequence/Location: Missense changes are a common disease-causing mechanism. In silico tool predictions suggest damaging effect of the variant on gene or gene product [REVEL: 0.93 (>=0.6, sensitivity 0.68 and specificity 0.92); 3Cnet: 0.88 (>=0.6, sensitivity 0.72 and precision 0.9)]. Therefore, this variant is classified as VUS according to the recommendation of ACMG/AMP guideline.